The following is an entry in ClinVar:

ClinVar aggregate classification (germline): Benign/Likely benign. Review status: criteria provided, multiple submitters, no conflicts (2 of 4 stars). 4 submissions from 4 submitters: Benign (1); Likely benign (2). 1 of the submissions does not count toward it. Last evaluated 2026-01-29.

Conditions:
ACAN-related disorder. Also called: ACAN-related condition; ACAN-related disorders.

Allele frequency attached by ClinVar (database versions not stated): gnomAD exomes 0.00006 and 0.00035; gnomAD 0.00013 and 0.00016; TOPMed 0.00023; 1000 Genomes Project 30x 0.00031; 1000 Genomes Project 0.00040; ExAC 0.00042.
gnomAD v4.1: 147 of 1,543,342 alleles (0.0095%); highest among the groups gnomAD compares: East Asian, 0.24%; 1 homozygote.

Submissions (4):

Labcorp Genetics (formerly Invitae), Labcorp
Classification: Likely benign. Last evaluated: 2026-01-29. Review status: criteria provided, single submitter. Criteria: Invitae Variant Classification Sherloc (09022015). Collection method: clinical testing. Allele origin: germline.

Women's Health and Genetics/Laboratory Corporation of America, LabCorp
Classification: Benign. Last evaluated: 2025-12-01. Review status: criteria provided, single submitter. Criteria: LabCorp Variant Classification Summary - May 2015. Collection method: clinical testing. Allele origin: germline.
Comment: Variant summary: ACAN c.1430-5C>T alters a non-conserved nucleotide located at a position not widely known to affect splicing. Consensus agreement among computation tools predicts no significant impact on normal splicing. However, these predictions have yet to be confirmed by functional studies. The variant allele was found at a frequency of 0.00035 in 155774 control chromosomes, predominantly at a frequency of 0.0046 within the East Asian subpopulation in the gnomAD database. The observed variant frequency within East Asian control individuals in the gnomAD database exceeds the estimated maximal expected allele frequency for disease-causing variants in ACAN. To our knowledge, no occurrence of c.1430-5C>T in individuals affected with ACAN-related conditions and no experimental evidence demonstrating its impact on protein function have been reported. ClinVar contains an entry for this variant (Variation ID: 713957). Based on the evidence outlined above, the variant was classified as benign.

Blueprint Genetics
Classification: Likely benign. Last evaluated: 2024-09-18. Review status: criteria provided, single submitter. Criteria: ACMG Guidelines, 2015. Collection method: clinical testing. Allele origin: germline.

PreventionGenetics, part of Exact Sciences
Classification: Likely benign for ACAN-related condition. Last evaluated: 2019-03-13. Review status: no assertion criteria provided. Collection method: clinical testing. Allele origin: germline. Not counted in ClinVar's aggregate classification.
Comment: This variant is classified as likely benign based on ACMG/AMP sequence variant interpretation guidelines (Richards et al. 2015 PMID: 25741868, with internal and published modifications).

NM_001369268.1(ACAN):c.1430-5C>T

Gene: ACAN (aggrecan; plus strand). Cytogenetic location: 15q26.1.
Variant type: single nucleotide variant.
Coding change: c.1430-5C>T on transcript NM_001369268.1 (MANE Select); 5 bases into the intron before coding-DNA position 1430, C replaced by T.
Molecular consequence: intron variant.
Genome position (GRCh38, 1-based): chr15:88,847,238, C>T. VCF-style: chr15-88847238-C-T. GRCh37 (hg19) VCF-style: chr15-89390469-C-T.
Other names: c.1430-5C>T (NM_013227.4, NM_001135.4).
Identifiers: ClinVar variation 713957 (VCV000713957.13), dbSNP rs377631427, ClinGen allele CA7719555.